The following is an entry in ClinVar:

ClinVar aggregate classification (germline): Uncertain significance (1 of 4 stars; one submission).

Conditions:
Familial cancer of breast. Also called: Hereditary breast cancer; BREAST CANCER, FAMILIAL; hereditary breast carcinoma. Identifiers: Orphanet 227535, MedGen C0346153, MONDO:0016419, OMIM 114480. Disease mechanism: loss of function.
Fanconi anemia complementation group J. Also called: BRIP1-Related Fanconi Anemia. Identifiers: Orphanet 84, MedGen C1836860, MONDO:0012187, OMIM 609054.

Allele frequency attached by ClinVar (database versions not stated): gnomAD 0.00001.
gnomAD v4.1: 1 of 1,614,056 alleles (0.000062%); highest among the groups gnomAD compares: South Asian, 0.0011%; no homozygotes.

Submission:

Labcorp Genetics (formerly Invitae), Labcorp
Classification: Uncertain significance for Familial cancer of breast; Fanconi anemia complementation group J. Last evaluated: 2023-10-11. Review status: criteria provided, single submitter. Criteria: Invitae Variant Classification Sherloc (09022015). Collection method: clinical testing. Allele origin: germline.
Comment: This sequence change replaces threonine, which is neutral and polar, with alanine, which is neutral and non-polar, at codon 1038 of the BRIP1 protein (p.Thr1038Ala). This variant is not present in population databases (gnomAD no frequency). This variant has not been reported in the literature in individuals affected with BRIP1-related conditions. ClinVar contains an entry for this variant (Variation ID: 1462759). Algorithms developed to predict the effect of missense changes on protein structure and function output the following: SIFT: "Not Available"; PolyPhen-2: "Benign"; Align-GVGD: "Not Available". The alanine amino acid residue is found in multiple mammalian species, which suggests that this missense change does not adversely affect protein function. In summary, the available evidence is currently insufficient to determine the role of this variant in disease. Therefore, it has been classified as a Variant of Uncertain Significance.

NM_032043.3(BRIP1):c.3112A>G (p.Thr1038Ala)

Gene: BRIP1 (BRCA1 interacting DNA helicase 1; minus strand). Cytogenetic location: 17q23.2.
Variant type: single nucleotide variant.
Coding change: c.3112A>G on transcript NM_032043.3 (MANE Select); coding-DNA position 3112, A replaced by G.
Protein change: p.Thr1038Ala; replaces threonine 1038 with alanine.
Molecular consequence: missense variant.
Genome position (GRCh38, 1-based): chr17:61,683,934, T>C on the plus strand (A>G on the coding strand, the complement: BRIP1 is on the minus strand). VCF-style: chr17-61683934-T-C. GRCh37 (hg19) VCF-style: chr17-59761295-T-C.
Other names: short protein forms T1038A.
Identifiers: ClinVar variation 1462759 (VCV001462759.7), dbSNP rs2061319595, ClinGen allele CA400479705.